The following is an entry in ClinVar:

ClinVar aggregate classification (germline): Uncertain significance (1 of 4 stars; one submission).

Conditions:
Hereditary cancer-predisposing syndrome. Also called: Neoplastic Syndromes, Hereditary; Hereditary neoplastic syndrome; Tumor predisposition; Hereditary Cancer Syndrome. Identifiers: Orphanet 140162, MedGen C0027672, MeSH D009386, MONDO:0015356.

Submission:

Ambry Genetics
Classification: Uncertain significance for Hereditary cancer-predisposing syndrome. Last evaluated: 2023-02-04. Review status: criteria provided, single submitter. Criteria: Ambry Variant Classification Scheme 2023. Collection method: clinical testing. Allele origin: germline.
Comment: The p.D1391H variant (also known as c.4171G>C), located in coding exon 29 of the ALK gene, results from a G to C substitution at nucleotide position 4171. The aspartic acid at codon 1391 is replaced by histidine, an amino acid with similar properties. This amino acid position is conserved. In addition, the in silico prediction for this alteration is inconclusive. Since supporting evidence is limited at this time, the clinical significance of this alteration remains unclear.

NM_004304.5(ALK):c.4171G>C (p.Asp1391His)

Gene: ALK (ALK receptor tyrosine kinase; minus strand). Cytogenetic location: 2p23.2.
Variant type: single nucleotide variant.
Coding change: c.4171G>C on transcript NM_004304.5 (MANE Select); coding-DNA position 4171, G replaced by C.
Protein change: p.Asp1391His; replaces aspartic acid 1391 with histidine.
Molecular consequence: missense variant.
Genome position (GRCh38, 1-based): chr2:29,193,916, C>G on the plus strand (G>C on the coding strand, the complement: ALK is on the minus strand). VCF-style: chr2-29193916-C-G. GRCh37 (hg19) VCF-style: chr2-29416782-C-G.
Other names: c.967G>C, p.Asp323His (NM_001353765.2); short protein forms D323H, D1391H.
Identifiers: ClinVar variation 2477339 (VCV002477339.2), dbSNP rs1231708230, ClinGen allele CA346463607.